The following is an entry in ClinVar:

NM_001374828.1(ARID1B):c.4436C>T (p.Pro1479Leu)

Gene: ARID1B (AT-rich interaction domain 1B; plus strand). Cytogenetic location: 6q25.3.
Variant type: single nucleotide variant.
Coding change: c.4436C>T on transcript NM_001374828.1 (MANE Select); coding-DNA position 4436, C replaced by T.
Protein change: p.Pro1479Leu; replaces proline 1479 with leucine.
Molecular consequence: missense variant.
Genome position (GRCh38, 1-based): chr6:157,198,864, C>T. VCF-style: chr6-157198864-C-T. GRCh37 (hg19) VCF-style: chr6-157519998-C-T.
Other names: c.1937C>T, p.Pro646Leu (NM_001363725.2); c.4316C>T, p.Pro1439Leu (NM_001371656.1, NM_001374820.1); c.4277C>T, p.Pro1426Leu (NM_017519.3); c.4067C>T (NM_020732.3); short protein forms P1426L, P1439L, P1479L, P646L.
Identifiers: ClinVar variation 3606444 (VCV003606444.3).
Genomic context (GRCh38, chr6:157,198,864, plus strand): 5'-ATTCCAGGCATGAACCTTATGGGCAGCAGTATCCAGGCCAAGGCCCTCCCTCGGGACAGC[C>T]GCCGTATGGAGGGCACCAGCCCGGCCTGTACCCACAGCAGCCGGTGAGTTGGCAAGTGGG-3'
Protein context (NP_001361757.1, residues 1469-1489): YPGQGPPSGQ[Pro1479Leu]PYGGHQPGLY

ClinVar aggregate classification (germline): Conflicting classifications of pathogenicity. Review status: criteria provided, conflicting classifications (1 of 4 stars). 2 submissions from 2 submitters: Uncertain significance (1); Likely benign (1). Last evaluated 2026-02-22.

Conditions:
ARID1B-Related Disorder. Identifiers: MedGen CN381337.

gnomAD v4.1: 27 of 1,611,296 alleles (0.0017%); highest among the groups gnomAD compares: South Asian, 0.013%; no homozygotes.

Submissions (2):

PreventionGenetics, part of Exact Sciences
Classification: Likely benign for ARID1B-related condition. Last evaluated: 2026-02-22. Review status: criteria provided, single submitter. Criteria: ACMG Guidelines, 2015. Collection method: clinical testing. Allele origin: germline.
Comment: This variant is classified as likely benign based on ACMG/AMP sequence variant interpretation guidelines (Richards et al. 2015 PMID: 25741868, with internal and published modifications).

Labcorp Genetics (formerly Invitae), Labcorp
Classification: Uncertain significance. Last evaluated: 2024-12-30. Review status: criteria provided, single submitter. Criteria: Invitae Variant Classification Sherloc (09022015). Collection method: clinical testing. Allele origin: germline.
Comment: This sequence change replaces proline, which is neutral and non-polar, with leucine, which is neutral and non-polar, at codon 1356 of the ARID1B protein (p.Pro1356Leu). This variant is present in population databases (rs577211667, gnomAD 0.02%). This variant has not been reported in the literature in individuals affected with ARID1B-related conditions. Invitae Evidence Modeling of protein sequence and biophysical properties (such as structural, functional, and spatial information, amino acid conservation, physicochemical variation, residue mobility, and thermodynamic stability) indicates that this missense variant is not expected to disrupt ARID1B protein function with a negative predictive value of 80%. In summary, the available evidence is currently insufficient to determine the role of this variant in disease. Therefore, it has been classified as a Variant of Uncertain Significance.